The following is an entry in ClinVar:

NM_003098.3(SNTA1):c.1283A>G (p.Asp428Gly)

Gene: SNTA1 (syntrophin alpha 1; minus strand). Cytogenetic location: 20q11.21.
Variant type: single nucleotide variant.
Coding change: c.1283A>G on transcript NM_003098.3 (MANE Select); coding-DNA position 1283, A replaced by G.
Protein change: p.Asp428Gly; replaces aspartic acid 428 with glycine.
Molecular consequence: missense variant.
Genome position (GRCh38, 1-based): chr20:33,408,843, T>C on the plus strand (A>G on the coding strand, the complement: SNTA1 is on the minus strand). VCF-style: chr20-33408843-T-C. GRCh37 (hg19) VCF-style: chr20-31996649-T-C.
Other names: short protein forms D428G.
Identifiers: ClinVar variation 1056568 (VCV001056568.10), dbSNP rs1390997295, ClinGen allele CA408630365.
Genomic context (GRCh38, chr20:33,408,843, plus strand): 5'-TGTCGCAGGAGCACAGCTCGGGCTGCACCTGGCTCAGCCGCCCACAGTGTGAAGCCCTTG[T>C]CGATGTGCACAGACAGGCTGCAGGGACGCCCATTCCACGTGCAGGCTGCAGGGAGGGCAC-3'
Protein context (NP_003089.1, residues 418-438): GRPCSLSVHI[Asp428Gly]KGFTLWAAEP

ClinVar aggregate classification (germline): Uncertain significance. Review status: criteria provided, multiple submitters, no conflicts (2 of 4 stars). 2 submissions from 2 submitters: Uncertain significance (2). Last evaluated 2024-02-16.

Conditions:
Long QT syndrome 12 (LQT12). Identifiers: Orphanet 101016, Orphanet 768, MedGen C2751830, MONDO:0013062, OMIM 612955.
Long QT syndrome (LQTS). Identifiers: MedGen C0023976, MeSH D008133, MONDO:0002442. Disease mechanism: loss of function. Inheritance: Various modes of inheritance.

Allele frequency attached by ClinVar (database versions not stated): TOPMed 0.00002.

Submissions (2):

Labcorp Genetics (formerly Invitae), Labcorp
Classification: Uncertain significance for Long QT syndrome. Last evaluated: 2024-02-16. Review status: criteria provided, single submitter. Criteria: Invitae Variant Classification Sherloc (09022015). Collection method: clinical testing. Allele origin: germline.
Comment: This sequence change replaces aspartic acid, which is acidic and polar, with glycine, which is neutral and non-polar, at codon 428 of the SNTA1 protein (p.Asp428Gly). This variant is not present in population databases (gnomAD no frequency). This variant has not been reported in the literature in individuals affected with SNTA1-related conditions. ClinVar contains an entry for this variant (Variation ID: 1056568). Advanced modeling of protein sequence and biophysical properties (such as structural, functional, and spatial information, amino acid conservation, physicochemical variation, residue mobility, and thermodynamic stability) performed at Invitae indicates that this missense variant is not expected to disrupt SNTA1 protein function with a negative predictive value of 80%. In summary, the available evidence is currently insufficient to determine the role of this variant in disease. Therefore, it has been classified as a Variant of Uncertain Significance.

Fulgent Genetics
Classification: Uncertain significance for Long QT syndrome 12. Last evaluated: 2021-12-07. Review status: criteria provided, single submitter. Criteria: ACMG Guidelines, 2015. Collection method: clinical testing. Allele origin: unknown.